The following is an entry in ClinVar:

ClinVar aggregate classification (germline): Pathogenic (1 of 4 stars; one submission).

Conditions:
Charcot-Marie-Tooth disease type 4. Also called: Charcot-Marie-Tooth, Type 4; Charcot-Marie-Tooth disease, type IV. Identifiers: Orphanet 64749, MedGen C4082197, MONDO:0018995.

Submission:

Labcorp Genetics (formerly Invitae), Labcorp
Classification: Pathogenic for Charcot-Marie-Tooth disease type 4. Last evaluated: 2024-03-12. Review status: criteria provided, single submitter. Criteria: Invitae Variant Classification Sherloc (09022015). Collection method: clinical testing. Allele origin: germline.
Comment: This sequence change creates a premature translational stop signal (p.Glu84Glyfs*7) in the SH3TC2 gene. It is expected to result in an absent or disrupted protein product. Loss-of-function variants in SH3TC2 are known to be pathogenic (PMID: 20220177, 27068304). This variant is present in population databases (rs747083869, gnomAD 0.0009%). This variant has not been reported in the literature in individuals affected with SH3TC2-related conditions. For these reasons, this variant has been classified as Pathogenic.

Literature cited by the submitters: PubMed 20220177; PubMed 27068304.

NM_024577.4(SH3TC2):c.251_258del (p.Glu84fs)

Gene: SH3TC2 (SH3 domain and tetratricopeptide repeats 2; minus strand). Cytogenetic location: 5q32.
Variant type: Deletion.
Coding change: c.251_258del on transcript NM_024577.4 (MANE Select); coding-DNA positions 251 to 258, 8 bases deleted (AGGACCAG; older notation c.251_258delAGGACCAG).
Protein change: p.Glu84fs; shifts the reading frame from glutamic acid 84.
Molecular consequence: frameshift variant.
Genome position (GRCh38, 1-based): chr5:149,047,883-149,047,890, CTGGTCCT deleted on the plus strand (AGGACCAG on the coding strand, the reverse complement: SH3TC2 is on the minus strand); deleting any 8 consecutive bases within chr5:149,047,883-149,047,891 gives the same sequence; the c. name uses the placement nearest the transcript's 3' end. VCF-style (leftmost placement, unchanged base first): chr5-149047882-CCTGGTCCT-C. GRCh37 (hg19) VCF-style: chr5-148427445-CCTGGTCCT-C.
Other names: short protein forms E84fs.
Identifiers: ClinVar variation 3644366 (VCV003644366.2).